The following is an entry in ClinVar:

NM_000183.3(HADHB):c.1279G>T (p.Gly427Ter)

Gene: HADHB (hydroxyacyl-CoA dehydrogenase trifunctional multienzyme complex subunit beta; plus strand). Cytogenetic location: 2p23.3.
Variant type: single nucleotide variant.
Coding change: c.1279G>T on transcript NM_000183.3 (MANE Select); coding-DNA position 1279, G replaced by T.
Protein change: p.Gly427Ter; replaces glycine 427 with a stop codon.
Molecular consequence: nonsense.
Genome position (GRCh38, 1-based): chr2:26,285,461, G>T. VCF-style: chr2-26285461-G-T. GRCh37 (hg19) VCF-style: chr2-26508329-G-T.
Other names: c.1234G>T, p.Gly412Ter (NM_001281512.2); c.1213G>T, p.Gly405Ter (NM_001281513.2); short protein forms G405*, G427*, G412*.
Identifiers: ClinVar variation 2829027 (VCV002829027.3), dbSNP rs1192353246, ClinGen allele CA346096768.

ClinVar aggregate classification (germline): Pathogenic (1 of 4 stars; one submission).

Conditions:
Mitochondrial trifunctional protein deficiency. Identifiers: Orphanet 746, MedGen C1969443, MONDO:0012172.

Submission:

Labcorp Genetics (formerly Invitae), Labcorp
Classification: Pathogenic for Mitochondrial trifunctional protein deficiency. Last evaluated: 2023-01-16. Review status: criteria provided, single submitter. Criteria: Invitae Variant Classification Sherloc (09022015). Collection method: clinical testing. Allele origin: germline.
Comment: This sequence change creates a premature translational stop signal (p.Gly427*) in the HADHB gene. It is expected to result in an absent or disrupted protein product. Loss-of-function variants in HADHB are known to be pathogenic (PMID: 9259266, 12754706). This variant is not present in population databases (gnomAD no frequency). This variant has not been reported in the literature in individuals affected with HADHB-related conditions. For these reasons, this variant has been classified as Pathogenic.

Literature cited by the submitters: PubMed 9259266; PubMed 12754706.